The following is an entry in ClinVar:

NM_003331.5(TYK2):c.766A>G (p.Met256Val)

Gene: TYK2 (tyrosine kinase 2; minus strand). Cytogenetic location: 19p13.2.
Variant type: single nucleotide variant.
Coding change: c.766A>G on transcript NM_003331.5 (MANE Select); coding-DNA position 766, A replaced by G.
Protein change: p.Met256Val; replaces methionine 256 with valine.
Molecular consequence: missense variant.
Genome position (GRCh38, 1-based): chr19:10,365,762, T>C on the plus strand (A>G on the coding strand, the complement: TYK2 is on the minus strand). VCF-style: chr19-10365762-T-C. GRCh37 (hg19) VCF-style: chr19-10476438-T-C.
Other names: c.766A>G, p.Met256Val (NM_001385197.1, NM_001385198.1, NM_001385199.1 and 8 more transcripts); c.676A>G, p.Met226Val (NM_001385205.1); short protein forms M226V, M256V.
Identifiers: ClinVar variation 1982400 (VCV001982400.4), dbSNP rs2041631801, ClinGen allele CA404017101.

ClinVar aggregate classification (germline): Uncertain significance (1 of 4 stars; one submission).

Conditions:
Immunodeficiency 35 (IMD35). Also called: Susceptibility to infection due to TYK2 deficiency; TYK2 DEFICIENCY; HIES WITH ATYPICAL MYCOBACTERIOSIS, AUTOSOMAL RECESSIVE; HYPER-IgE SYNDROME WITH ATYPICAL MYCOBACTERIOSIS, AUTOSOMAL RECESSIVE. Identifiers: Orphanet 331226, MedGen C1969086, MONDO:0012682, OMIM 611521.

Allele frequency attached by ClinVar (database versions not stated): gnomAD 0.00001.
gnomAD v4.1: 1 of 1,612,762 alleles (0.000062%); no homozygotes.

Submission:

Labcorp Genetics (formerly Invitae), Labcorp
Classification: Uncertain significance for Immunodeficiency 35. Last evaluated: 2022-03-05. Review status: criteria provided, single submitter. Criteria: Invitae Variant Classification Sherloc (09022015). Collection method: clinical testing. Allele origin: germline.
Comment: In summary, the available evidence is currently insufficient to determine the role of this variant in disease. Therefore, it has been classified as a Variant of Uncertain Significance. Algorithms developed to predict the effect of missense changes on protein structure and function are either unavailable or do not agree on the potential impact of this missense change (SIFT: "Not Available"; PolyPhen-2: "Possibly Damaging"; Align-GVGD: "Not Available"). This variant has not been reported in the literature in individuals affected with TYK2-related conditions. This variant is not present in population databases (gnomAD no frequency). This sequence change replaces methionine, which is neutral and non-polar, with valine, which is neutral and non-polar, at codon 256 of the TYK2 protein (p.Met256Val).